The following is an entry in ClinVar:

ClinVar aggregate classification (germline): Likely benign. Review status: criteria provided, single submitter (1 of 4 stars). 2 submissions from 2 submitters: Likely benign (1). 1 of the submissions does not count toward it. Last evaluated 2025-04-20.

Conditions:
MYH7-related disorder. Also called: MYH7-related condition; MYH7-related disease; MYH7-related disorders.
Hypertrophic cardiomyopathy. Also called: HYPERTROPHIC MYOCARDIOPATHY. Identifiers: Orphanet 217569, MedGen C0007194, MeSH D002312, MONDO:0005045, HP:0001639.

Submissions (2):

Labcorp Genetics (formerly Invitae), Labcorp
Classification: Likely benign for Hypertrophic cardiomyopathy. Last evaluated: 2025-04-20. Review status: criteria provided, single submitter. Criteria: Invitae Variant Classification Sherloc (09022015). Collection method: clinical testing. Allele origin: germline.

PreventionGenetics, part of Exact Sciences
Classification: Likely benign for MYH7-related condition. Last evaluated: 2021-02-10. Review status: no assertion criteria provided. Collection method: clinical testing. Allele origin: germline. Not counted in ClinVar's aggregate classification.
Comment: This variant is classified as likely benign based on ACMG/AMP sequence variant interpretation guidelines (Richards et al. 2015 PMID: 25741868, with internal and published modifications).

NM_000257.4(MYH7):c.1984T>C (p.Leu662=)

Gene: MYH7 (myosin heavy chain 7; minus strand). Cytogenetic location: 14q11.2.
Variant type: single nucleotide variant.
Coding change: c.1984T>C on transcript NM_000257.4 (MANE Select); coding-DNA position 1984, T replaced by C.
Protein change: p.Leu662=; no amino-acid change (leucine 662 retained).
Molecular consequence: synonymous variant.
Genome position (GRCh38, 1-based): chr14:23,426,837, A>G on the plus strand (T>C on the coding strand, the complement: MYH7 is on the minus strand). VCF-style: chr14-23426837-A-G. GRCh37 (hg19) VCF-style: chr14-23896046-A-G.
Other names: c.1984T>C (NM_000257.3).
Identifiers: ClinVar variation 1132424 (VCV001132424.11), dbSNP rs2138670291, ClinGen allele CA485623679.
Genomic context (GRCh38, chr14:23,426,837, plus strand): 5'-CTGGAGACTTTGTCTCATTAGGGATGATACAACGTACAAAGTGGGGATGGGTGGAGCGCA[A>G]GTTGGTCATCAGCTTGTTCAGATTTTCCTGTGGCCAAAAATGCAATAGAGAAAAGTAAAG-3'
Protein context (NP_000248.2, residues 652-672): RENLNKLMTN[Leu662=]RSTHPHFVRC